The following is an entry in ClinVar:

NM_181703.4(GJA5):c.370G>T (p.Glu124Ter)

Gene: GJA5 (gap junction protein alpha 5; minus strand). Cytogenetic location: 1q21.2.
Variant type: single nucleotide variant.
Coding change: c.370G>T on transcript NM_181703.4 (MANE Select); coding-DNA position 370, G replaced by T.
Protein change: p.Glu124Ter; replaces glutamic acid 124 with a stop codon.
Molecular consequence: nonsense.
Genome position (GRCh38, 1-based): chr1:147,758,869, C>A on the plus strand (G>T on the coding strand, the complement: GJA5 is on the minus strand). VCF-style: chr1-147758869-C-A. GRCh37 (hg19) VCF-style: chr1-147230977-C-A.
Other names: c.370G>T, p.Glu124Ter (NM_005266.7); short protein forms E124*.
Identifiers: ClinVar variation 4787517 (VCV004787517.1).

ClinVar aggregate classification (germline): Uncertain significance (1 of 4 stars; one submission).

Conditions:
Atrial standstill 1 (ATRST1). Also called: ATRIAL CARDIOMYOPATHY WITH HEART BLOCK; CARDIOMYOPATHY, FAMILIAL, WITH CONDUCTION DISTURBANCE; Atrial standstill, digenic (GJA5/SCN5A). Identifiers: Orphanet 1344, MedGen C4551959, MONDO:0007171, OMIM 108770.
Atrial fibrillation, familial, 11 (ATFB11). Identifiers: MedGen C3279693, MONDO:0013544, OMIM 614049.

Submission:

Labcorp Genetics (formerly Invitae), Labcorp
Classification: Uncertain significance for Atrial fibrillation, familial, 11; Atrial standstill 1. Last evaluated: 2025-02-04. Review status: criteria provided, single submitter. Criteria: Invitae Variant Classification Sherloc (09022015). Collection method: clinical testing. Allele origin: germline.
Comment: This sequence change creates a premature translational stop signal (p.Glu124*) in the GJA5 gene. While this is not anticipated to result in nonsense mediated decay, it is expected to disrupt the last 235 amino acid(s) of the GJA5 protein. This variant is not present in population databases (gnomAD no frequency). This variant has not been reported in the literature in individuals affected with GJA5-related conditions. Experimental studies and prediction algorithms are not available or were not evaluated, and the functional significance of this variant is currently unknown. In summary, the available evidence is currently insufficient to determine the role of this variant in disease. Therefore, it has been classified as a Variant of Uncertain Significance.